The following is an entry in ClinVar:

NM_004519.4(KCNQ3):c.1119G>A (p.Lys373=)

Gene: KCNQ3 (potassium voltage-gated channel subfamily Q member 3; minus strand). Cytogenetic location: 8q24.22.
Variant type: single nucleotide variant.
Coding change: c.1119G>A on transcript NM_004519.4 (MANE Select); coding-DNA position 1119, G replaced by A.
Protein change: p.Lys373=; no amino-acid change (lysine 373 retained).
Molecular consequence: synonymous variant.
Genome position (GRCh38, 1-based): chr8:132,172,619, C>T on the plus strand (G>A on the coding strand, the complement: KCNQ3 is on the minus strand). VCF-style: chr8-132172619-C-T. GRCh37 (hg19) VCF-style: chr8-133184866-C-T.
Other names: c.759G>A, p.Lys253= (NM_001204824.2).
Identifiers: ClinVar variation 385895 (VCV000385895.9), dbSNP rs148581537, ClinGen allele CA4880777.

ClinVar aggregate classification (germline): Likely benign. Review status: criteria provided, multiple submitters, no conflicts (2 of 4 stars). 3 submissions from 3 submitters: Likely benign (3). Last evaluated 2025-07-20.

Conditions:
Benign neonatal seizures. Also called: Convulsions benign familial neonatal dominant form; Autosomal dominant form of benign neonatal seizures; Benign neonatal familial convulsions; Benign familial neonatal epilepsy; Benign familial neonatal seizures. Identifiers: Orphanet 1949, MedGen C0220669, MONDO:0016027.

Allele frequency attached by ClinVar (database versions not stated): gnomAD exomes below 0.00001 and 0.00001; ExAC 0.00002; gnomAD 0.00003; TOPMed 0.00003; ESP Exome Variant Server 0.00008.
gnomAD v4.1: 7 of 1,614,022 alleles (0.00043%); highest among the groups gnomAD compares: African/African-American, 0.0093%; no homozygotes.

Submissions (3):

Labcorp Genetics (formerly Invitae), Labcorp
Classification: Likely benign for Benign neonatal seizures. Last evaluated: 2025-07-20. Review status: criteria provided, single submitter. Criteria: Invitae Variant Classification Sherloc (09022015). Collection method: clinical testing. Allele origin: germline.

Blueprint Genetics
Classification: Likely benign. Last evaluated: 2019-10-22. Review status: criteria provided, single submitter. Criteria: ACMG Guidelines, 2015. Collection method: clinical testing. Allele origin: germline.

GeneDx
Classification: Likely benign. Last evaluated: 2017-06-08. Review status: criteria provided, single submitter. Criteria: GeneDx Variant Classification (06012015). Collection method: clinical testing. Allele origin: germline. Affected: yes.
Comment: This variant is considered likely benign or benign based on one or more of the following criteria: it is a conservative change, it occurs at a poorly conserved position in the protein, it is predicted to be benign by multiple in silico algorithms, and/or has population frequency not consistent with disease.